The following is an entry in ClinVar:

ClinVar aggregate classification (germline): Uncertain significance. Review status: criteria provided, multiple submitters, no conflicts (2 of 4 stars). 2 submissions from 2 submitters: Uncertain significance (2). Last evaluated 2022-07-27.

Conditions:
Hypotonia, infantile, with psychomotor retardation and characteristic facies 2 (IHPRF2). Also called: UNC80 Deficiency. Identifiers: Orphanet 371364, Orphanet 700333, MedGen C4225203, MONDO:0014777, OMIM 616801.
Inborn genetic diseases. Identifiers: MedGen C0950123, MeSH D030342.

gnomAD v4.1: 3 of 1,552,038 alleles (0.00019%); highest among the groups gnomAD compares: East Asian, 0.0073%; no homozygotes.

Submissions (2):

Ambry Genetics
Classification: Uncertain significance for Inborn genetic diseases. Last evaluated: 2022-07-27. Review status: criteria provided, single submitter. Criteria: Ambry Variant Classification Scheme 2023. Collection method: clinical testing. Allele origin: germline.

Juno Genomics, Hangzhou Juno Genomics, Inc
Classification: Uncertain significance for Hypotonia, infantile, with psychomotor retardation and characteristic facies 2. Review status: criteria provided, single submitter. Criteria: ACMG Guidelines, 2015. Collection method: clinical testing. Allele origin: germline.
Comment: Absent from controls (or at extremely low frequency if recessive) in Genome Aggregation Database.;Missense variant in a gene that has a low rate of benign missense variation.

NM_001371986.1(UNC80):c.7225A>T (p.Ile2409Phe)

Gene: UNC80 (unc-80 subunit of NALCN channel complex; plus strand). Cytogenetic location: 2q34.
Variant type: single nucleotide variant.
Coding change: c.7225A>T on transcript NM_001371986.1 (MANE Select); coding-DNA position 7225, A replaced by T.
Protein change: p.Ile2409Phe; replaces isoleucine 2409 with phenylalanine.
Molecular consequence: missense variant.
Genome position (GRCh38, 1-based): chr2:209,945,882, A>T. VCF-style: chr2-209945882-A-T. GRCh37 (hg19) VCF-style: chr2-210810606-A-T.
Other names: c.7027A>T, p.Ile2343Phe (NM_032504.2); c.7012A>T, p.Ile2338Phe (NM_182587.4); short protein forms I2409F, I2338F, I2343F.
Identifiers: ClinVar variation 2304081 (VCV002304081.4), dbSNP rs1225906868, ClinGen allele CA350774261.